The following is an entry in ClinVar:

ClinVar aggregate classification (germline): Uncertain significance (1 of 4 stars; one submission).

Conditions:
Hereditary cancer-predisposing syndrome. Also called: Neoplastic Syndromes, Hereditary; Tumor predisposition; Hereditary Cancer Syndrome; Hereditary neoplastic syndrome. Identifiers: Orphanet 140162, MedGen C0027672, MeSH D009386, MONDO:0015356.

Allele frequency attached by ClinVar (database versions not stated): gnomAD exomes below 0.00001.
gnomAD v4.1: 1 of 1,614,022 alleles (0.000062%); highest among the groups gnomAD compares: Non-Finnish European, 0.000085%; no homozygotes.

Submission:

Ambry Genetics
Classification: Uncertain significance for Hereditary cancer-predisposing syndrome. Last evaluated: 2020-03-26. Review status: criteria provided, single submitter. Criteria: Ambry Variant Classification Scheme 2023. Collection method: clinical testing. Allele origin: germline.
Comment: The p.V355L variant (also known as c.1063G>T), located in coding exon 10 of the TSC2 gene, results from a G to T substitution at nucleotide position 1063. The valine at codon 355 is replaced by leucine, an amino acid with highly similar properties. This amino acid position is not well conserved in available vertebrate species. In addition, the in silico prediction for this alteration is inconclusive. Since supporting evidence is limited at this time, the clinical significance of this alteration remains unclear.

NM_000548.5(TSC2):c.1063G>T (p.Val355Leu)

Gene: TSC2 (TSC complex subunit 2; plus strand). Cytogenetic location: 16p13.3.
Variant type: single nucleotide variant.
Coding change: c.1063G>T on transcript NM_000548.5 (MANE Select); coding-DNA position 1063, G replaced by T.
Protein change: p.Val355Leu; replaces valine 355 with leucine.
Molecular consequence: missense variant.
Genome position (GRCh38, 1-based): chr16:2,060,757, G>T. VCF-style: chr16-2060757-G-T. GRCh37 (hg19) VCF-style: chr16-2110758-G-T.
Other names: c.1063G>T, p.Val355Leu (NM_001077183.3, NM_001114382.3, NM_001363528.2 and 6 more transcripts); c.952G>T, p.Val318Leu (NM_001318827.2, NM_001406670.1, NM_001406678.1); c.916G>T, p.Val306Leu (NM_001318829.2, NM_001406675.1, NM_001406676.1 and 1 more transcripts); c.463G>T, p.Val155Leu (NM_001318831.2, NM_001406680.1, NM_001406682.1 and 6 more transcripts); c.1096G>T, p.Val366Leu (NM_001318832.2); c.1153G>T, p.Val385Leu (NM_001406667.1, NM_001406668.1); c.1051G>T, p.Val351Leu (NM_001406671.1, NM_001406673.1); c.1006G>T, p.Val336Leu (NM_001406677.1); and 4 more; short protein forms V155L, V306L, V318L, V201L, V366L, V385L, V351L, V355L.
Identifiers: ClinVar variation 1781112 (VCV001781112.2), dbSNP rs2151137395, ClinGen allele CA394317919.
Genomic context (GRCh38, chr16:2,060,757, plus strand): 5'-TCCTATGAGATCGTCCTGTCCATCACCAGGCTCATCAAGAAGTATAGGAAGGAGCTCCAG[G>T]TGGTGGCGTGGGACATTCTGCTGAACATCATCGAACGGCTCCTTCAGCAGCTCCAGGTGG-3'
Protein context (NP_000539.2, residues 345-365): LIKKYRKELQ[Val355Leu]VAWDILLNII